The following is an entry in ClinVar:

NM_032444.4(SLX4):c.822G>C (p.Gln274His)

Gene: SLX4 (SLX4 structure-specific endonuclease subunit; minus strand). Cytogenetic location: 16p13.3.
Variant type: single nucleotide variant.
Coding change: c.822G>C on transcript NM_032444.4 (MANE Select); coding-DNA position 822, G replaced by C.
Protein change: p.Gln274His; replaces glutamine 274 with histidine.
Molecular consequence: missense variant.
Genome position (GRCh38, 1-based): chr16:3,602,246, C>G on the plus strand (G>C on the coding strand, the complement: SLX4 is on the minus strand). VCF-style: chr16-3602246-C-G. GRCh37 (hg19) VCF-style: chr16-3652247-C-G.
Other names: short protein forms Q274H.
Identifiers: ClinVar variation 1337307 (VCV001337307.9), dbSNP rs1367038373, ClinGen allele CA394532426.

ClinVar aggregate classification (germline): Uncertain significance. Review status: criteria provided, multiple submitters, no conflicts (2 of 4 stars). 4 submissions from 4 submitters: Uncertain significance (4). Last evaluated 2025-12-10.

Conditions:
Inborn genetic diseases. Identifiers: MedGen C0950123, MeSH D030342.
Fanconi anemia complementation group P. Also called: SLX4-Related Fanconi Anemia. Identifiers: Orphanet 84, MedGen C3469542, MONDO:0013499, OMIM 613951.
Fanconi anemia (FA). Also called: Fanconi's anemia. Identifiers: Orphanet 84, MedGen C0015625, MeSH D005199, MONDO:0019391.

Allele frequency attached by ClinVar (database versions not stated): TOPMed below 0.00001.
gnomAD v4.1: 19 of 1,614,212 alleles (0.0012%); highest among the groups gnomAD compares: Non-Finnish European, 0.0014%; no homozygotes.

Submissions (4):

Ambry Genetics
Classification: Uncertain significance for Inborn genetic diseases. Last evaluated: 2025-12-10. Review status: criteria provided, single submitter. Criteria: Ambry Variant Classification Scheme 2023. Collection method: clinical testing. Allele origin: germline.

Fulgent Genetics
Classification: Uncertain significance for Fanconi anemia complementation group P. Last evaluated: 2024-06-19. Review status: criteria provided, single submitter. Criteria: ACMG Guidelines, 2015. Collection method: clinical testing. Allele origin: germline.

Labcorp Genetics (formerly Invitae), Labcorp
Classification: Uncertain significance for Fanconi anemia. Last evaluated: 2022-12-21. Review status: criteria provided, single submitter. Criteria: Invitae Variant Classification Sherloc (09022015). Collection method: clinical testing. Allele origin: germline.
Comment: In summary, the available evidence is currently insufficient to determine the role of this variant in disease. Therefore, it has been classified as a Variant of Uncertain Significance. Algorithms developed to predict the effect of missense changes on protein structure and function output the following: SIFT: "Deleterious"; PolyPhen-2: "Benign"; Align-GVGD: "Class C0". The histidine amino acid residue is found in multiple mammalian species, which suggests that this missense change does not adversely affect protein function. ClinVar contains an entry for this variant (Variation ID: 1337307). This variant has not been reported in the literature in individuals affected with SLX4-related conditions. This variant is present in population databases (no rsID available, gnomAD 0.0009%). This sequence change replaces glutamine, which is neutral and polar, with histidine, which is basic and polar, at codon 274 of the SLX4 protein (p.Gln274His).

Genetic Services Laboratory, University of Chicago
Classification: Uncertain significance. Last evaluated: 2019-08-02. Review status: criteria provided, single submitter. Criteria: ACMG Guidelines, 2015. Collection method: clinical testing. Allele origin: germline. Affected: no.